The following is an entry in ClinVar:

ClinVar aggregate classification (germline): Likely pathogenic (1 of 4 stars; one submission).

Submission:

Labcorp Genetics (formerly Invitae), Labcorp
Classification: Likely pathogenic. Last evaluated: 2022-02-28. Review status: criteria provided, single submitter. Criteria: Invitae Variant Classification Sherloc (09022015). Collection method: clinical testing. Allele origin: germline.
Comment: In summary, the currently available evidence indicates that the variant is pathogenic, but additional data are needed to prove that conclusively. Therefore, this variant has been classified as Likely Pathogenic. This variant has not been reported in the literature in individuals affected with PCDH15-related conditions. This variant results in a copy number gain of the genomic region encompassing exon(s) 27-28 of the PCDH15 gene. While the exact position of this variant cannot be determined from the data, sub-genic copy number gains are generally in tandem (PMID: 25640679). This variant is predicted to be out-of-frame, and may result in an absent or disrupted protein product. Loss-of-function variants in PCDH15 are known to be pathogenic (PMID: 11398101, 11487575, 14570705).

Literature cited by the submitters: PubMed 25640679; PubMed 11398101; PubMed 11487575; PubMed 14570705.

NC_000010.10:g.(?_55616915)_(55626637_?)dup

Gene: PCDH15 (protocadherin related 15; minus strand). Cytogenetic location: 10q21.1.
Variant type: Duplication.
Identifiers: ClinVar variation 1345526 (VCV001345526.5).